The following is an entry in ClinVar:

ClinVar aggregate classification (germline): Uncertain significance (1 of 4 stars; one submission).

Conditions:
Inborn genetic diseases. Identifiers: MedGen C0950123, MeSH D030342.

gnomAD v4.1: 4 of 1,612,400 alleles (0.00025%); highest among the groups gnomAD compares: Non-Finnish European, 0.00025%; no homozygotes.

Submission:

Ambry Genetics
Classification: Uncertain significance for Inborn genetic diseases. Last evaluated: 2021-08-19. Review status: criteria provided, single submitter. Criteria: Ambry Variant Classification Scheme 2023. Collection method: clinical testing. Allele origin: germline.
Comment: The p.A5666D variant (also known as c.16997C>A), located in coding exon 97 of the DST gene, results from a C to A substitution at nucleotide position 16997. The alanine at codon 5666 is replaced by aspartic acid, an amino acid with dissimilar properties. This amino acid position is not well conserved in available vertebrate species. In addition, the in silico prediction for this alteration is inconclusive. Since supporting evidence is limited at this time, the clinical significance of this alteration remains unclear.

NM_001374736.1(DST):c.23426C>A (p.Ala7809Asp)

Gene: DST (dystonin; minus strand). Cytogenetic location: 6p12.1.
Variant type: single nucleotide variant.
Coding change: c.23426C>A on transcript NM_001374736.1 (MANE Select); coding-DNA position 23426, C replaced by A.
Protein change: p.Ala7809Asp; replaces alanine 7809 with aspartic acid.
Molecular consequence: missense variant.
Genome position (GRCh38, 1-based): chr6:56,459,036, G>T on the plus strand (C>A on the coding strand, the complement: DST is on the minus strand). VCF-style: chr6-56459036-G-T. GRCh37 (hg19) VCF-style: chr6-56323834-G-T.
Other names: c.16997C>A, p.Ala5666Asp (NM_001144769.5); c.16583C>A, p.Ala5528Asp (NM_001144770.2); c.23354C>A, p.Ala7785Asp (NM_001374722.1); c.22355C>A, p.Ala7452Asp (NM_001374729.1); c.16097C>A, p.Ala5366Asp (NM_001374730.1); c.23381C>A, p.Ala7794Asp (NM_001374734.1); c.16445C>A, p.Ala5482Asp (NM_001386100.1); c.15485C>A, p.Ala5162Asp (NM_015548.5); and 1 more; short protein forms A5482D, A7785D, A5162D, A5366D, A5528D, A7452D, A7794D, A7809D.
Identifiers: ClinVar variation 1778282 (VCV001778282.2), dbSNP rs2094188631, ClinGen allele CA364502637.